The following is an entry in ClinVar:

NM_005245.4(FAT1):c.4516C>T (p.Arg1506Cys)

Gene: FAT1 (FAT atypical cadherin 1; minus strand). Cytogenetic location: 4q35.2.
Variant type: single nucleotide variant.
Coding change: c.4516C>T on transcript NM_005245.4 (MANE Select); coding-DNA position 4516, C replaced by T.
Protein change: p.Arg1506Cys; replaces arginine 1506 with cysteine.
Molecular consequence: missense variant.
Genome position (GRCh38, 1-based): chr4:186,628,571, G>A on the plus strand (C>T on the coding strand, the complement: FAT1 is on the minus strand). VCF-style: chr4-186628571-G-A. GRCh37 (hg19) VCF-style: chr4-187549725-G-A.
Other names: p.Arg1506Cys; short protein forms R1506C.
Identifiers: ClinVar variation 597999 (VCV000597999.17), dbSNP rs199516712, ClinGen allele CA3166700.
Genomic context (GRCh38, chr4:186,628,571, plus strand): 5'-GAACAGCTTCATGATCCAGTTTCTCAGAAGTATAGAGAGAGCCGGTTGCAGGATCAAGAC[G>A]AAATTTCTTGAGACTCAGTGGATCTCTACTGCTCTGCAGAGTGTAGATTAGTTTGTTTTT-3'
Protein context (NP_005236.2, residues 1496-1516): SRDPLSLKKF[Arg1506Cys]LDPATGSLYT

ClinVar aggregate classification (germline): Uncertain significance. Review status: criteria provided, multiple submitters, no conflicts (2 of 4 stars). 6 submissions from 6 submitters: Uncertain significance (4). 2 of the submissions do not count toward it. Last evaluated 2024-12-21.

Allele frequency attached by ClinVar (database versions not stated): ExAC 0.00032; gnomAD exomes 0.00041 and 0.00085; gnomAD 0.00054 and 0.00051; TOPMed 0.00054; ESP Exome Variant Server 0.00058; 1000 Genomes Project 30x 0.00078; 1000 Genomes Project 0.00080.
gnomAD v4.1: 1,332 of 1,613,972 alleles (0.083%); highest among the groups gnomAD compares: Non-Finnish European, 0.1%; no homozygotes.

Submissions (6):

Mayo Clinic Laboratories, Mayo Clinic
Classification: Uncertain significance. Last evaluated: 2024-12-21. Review status: criteria provided, single submitter. Criteria: ACMG Guidelines, 2015. Collection method: clinical testing. Allele origin: germline. Observed: 1 variant allele.

Labcorp Genetics (formerly Invitae), Labcorp
Classification: Uncertain significance. Last evaluated: 2024-10-24. Review status: criteria provided, single submitter. Criteria: Invitae Variant Classification Sherloc (09022015). Collection method: clinical testing. Allele origin: germline.
Comment: This sequence change replaces arginine, which is basic and polar, with cysteine, which is neutral and slightly polar, at codon 1506 of the FAT1 protein (p.Arg1506Cys). This variant is present in population databases (rs199516712, gnomAD 0.07%). This variant has not been reported in the literature in individuals affected with FAT1-related conditions. ClinVar contains an entry for this variant (Variation ID: 597999). Invitae Evidence Modeling of protein sequence and biophysical properties (such as structural, functional, and spatial information, amino acid conservation, physicochemical variation, residue mobility, and thermodynamic stability) indicates that this missense variant is not expected to disrupt FAT1 protein function with a negative predictive value of 80%. In summary, the available evidence is currently insufficient to determine the role of this variant in disease. Therefore, it has been classified as a Variant of Uncertain Significance.

GeneDx
Classification: Uncertain significance. Last evaluated: 2023-08-31. Review status: criteria provided, single submitter. Criteria: GeneDx Variant Classification Process June 2021. Collection method: clinical testing. Allele origin: germline. Affected: yes.
Comment: In silico analysis supports that this missense variant has a deleterious effect on protein structure/function; Has not been previously published as pathogenic or benign in association with FAT1-related disorders to our knowledge; This variant is associated with the following publications: (PMID: 34598035)

Eurofins Ntd Llc (ga)
Classification: Uncertain significance. Last evaluated: 2018-07-11. Review status: criteria provided, single submitter. Criteria: EGL ClinVar v180209 classification definitions. Collection method: clinical testing. Allele origin: germline. Observed: 1 variant allele, 1 heterozygote.

Clinical Genetics DNA and cytogenetics Diagnostics Lab, Erasmus MC, Erasmus Medical Center
Classification: Uncertain significance. Review status: no assertion criteria provided. Collection method: clinical testing. Allele origin: germline. Affected: yes. Study: VKGL Data-share Consensus. Not counted in ClinVar's aggregate classification.

Genome Diagnostics Laboratory, University Medical Center Utrecht
Classification: Uncertain significance. Review status: no assertion criteria provided. Collection method: clinical testing. Allele origin: germline. Affected: yes. Study: VKGL Data-share Consensus. Not counted in ClinVar's aggregate classification.

Literature cited by the submitters: PubMed 34598035 (cited by Mayo Clinic Laboratories, Mayo Clinic).